The following is an entry in ClinVar:

NM_001378457.1(DMXL2):c.8701G>A (p.Val2901Ile)

Gene: DMXL2 (Dmx like 2; minus strand). Cytogenetic location: 15q21.2.
Variant type: single nucleotide variant.
Coding change: c.8701G>A on transcript NM_001378457.1 (MANE Select); coding-DNA position 8701, G replaced by A.
Protein change: p.Val2901Ile; replaces valine 2901 with isoleucine.
Molecular consequence: missense variant. On other transcripts: non-coding transcript variant (1).
Genome position (GRCh38, 1-based): chr15:51,451,693, C>T on the plus strand (G>A on the coding strand, the complement: DMXL2 is on the minus strand). VCF-style: chr15-51451693-C-T. GRCh37 (hg19) VCF-style: chr15-51743890-C-T.
Other names: c.8638G>A, p.Val2880Ile (NM_001174116.3); c.6727G>A, p.Val2243Ile (NM_001174117.3); c.8698G>A, p.Val2900Ile (NM_001378458.1); c.8413G>A, p.Val2805Ile (NM_001378459.1); c.6616G>A, p.Val2206Ile (NM_001378460.1); c.8635G>A, p.Val2879Ile (NM_015263.5); short protein forms V2206I, V2243I, V2805I, V2879I, V2880I, V2900I, V2901I.
Identifiers: ClinVar variation 2645339 (VCV002645339.24), dbSNP rs747567052, ClinGen allele CA270574034.

ClinVar aggregate classification (germline): Uncertain significance (1 of 4 stars; one submission).

Submission:

CeGaT Center for Human Genetics Tuebingen
Classification: Uncertain significance. Last evaluated: 2023-03-01. Review status: criteria provided, single submitter. Criteria: CeGaT Center For Human Genetics Tuebingen Variant Classification Criteria Version 2. Collection method: clinical testing. Allele origin: germline. Affected: yes. Observed: 1 variant allele.
Comment: DMXL2: PM2